The following is an entry in ClinVar:

NM_000271.5(NPC1):c.631+1G>T

Gene: NPC1 (NPC intracellular cholesterol transporter 1; minus strand). Cytogenetic location: 18q11.2.
Variant type: single nucleotide variant.
Coding change: c.631+1G>T on transcript NM_000271.5 (MANE Select); the canonical splice donor site of the intron after coding-DNA position 631, G replaced by T.
Molecular consequence: splice donor variant.
Genome position (GRCh38, 1-based): chr18:23,561,359, C>A on the plus strand (G>T on the coding strand, the complement: NPC1 is on the minus strand). VCF-style: chr18-23561359-C-A. GRCh37 (hg19) VCF-style: chr18-21141323-C-A.
Identifiers: ClinVar variation 2062322 (VCV002062322.4), dbSNP rs2511308216, ClinGen allele CA401782020.
Genomic context (GRCh38, chr18:23,561,359, plus strand): 5'-CCAGTTCCTTGGCTTTAAAACAATATCATAAACACACCAAACTTGGAATCTTTATACCTA[C>A]CTGAAAACACAGGAGTGATGGTAAAAGGTGCCTGTCCATTGTCCTTATTGAACATGTATT-3'

ClinVar aggregate classification (germline): Likely pathogenic (1 of 4 stars; one submission).

Conditions:
Niemann-Pick disease, type C1. Also called: NEUROVISCERAL STORAGE DISEASE WITH VERTICAL SUPRANUCLEAR OPHTHALMOPLEGIA; NIEMANN-PICK DISEASE WITH CHOLESTEROL ESTERIFICATION BLOCK; NIEMANN-PICK DISEASE WITHOUT SPHINGOMYELINASE DEFICIENCY; NIEMANN-PICK DISEASE, CHRONIC NEURONOPATHIC FORM; NIEMANN-PICK DISEASE, VARIANT TYPE C1. Identifiers: Orphanet 646, MedGen C3179455, MONDO:0009757, OMIM 257220.

Allele frequency attached by ClinVar (database versions not stated): gnomAD exomes below 0.00001.
gnomAD v4.1: 4 of 1,614,146 alleles (0.00025%); highest among the groups gnomAD compares: Non-Finnish European, 0.00034%; no homozygotes.

Submission:

Labcorp Genetics (formerly Invitae), Labcorp
Classification: Likely pathogenic for Niemann-Pick disease, type C1. Last evaluated: 2022-04-14. Review status: criteria provided, single submitter. Criteria: Invitae Variant Classification Sherloc (09022015). Collection method: clinical testing. Allele origin: germline.
Comment: This variant is not present in population databases (gnomAD no frequency). In summary, the currently available evidence indicates that the variant is pathogenic, but additional data are needed to prove that conclusively. Therefore, this variant has been classified as Likely Pathogenic. Algorithms developed to predict the effect of sequence changes on RNA splicing suggest that this variant may disrupt the consensus splice site. This variant has not been reported in the literature in individuals affected with NPC1-related conditions. This sequence change affects a donor splice site in intron 5 of the NPC1 gene. It is expected to disrupt RNA splicing. Variants that disrupt the donor or acceptor splice site typically lead to a loss of protein function (PMID: 16199547), and loss-of-function variants in NPC1 are known to be pathogenic (PMID: 9211850).

Literature cited by the submitters: PubMed 16199547; PubMed 9211850.